The following is an entry in ClinVar:

ClinVar aggregate classification (germline): Uncertain significance. Review status: criteria provided, multiple submitters, no conflicts (2 of 4 stars). 2 submissions from 2 submitters: Uncertain significance (2). Last evaluated 2025-07-29.

Conditions:
Hereditary spastic paraplegia. Also called: Familial spastic paraparesis. Identifiers: Orphanet 685, MedGen C0037773, MONDO:0019064. Disease mechanism: loss of function.
Pituitary dependent hypercortisolism. Also called: Cushing disease due to pituitary adenoma; CUSHING DISEASE, PITUITARY; Pituitary adenoma, acth-secreting, somatic; Pituitary ACTH Hypersecretion; PITUITARY ADENOMA 4, ACTH-SECRETING. Identifiers: Orphanet 96253, MedGen C0221406, MONDO:0009050, OMIM 219090.

Allele frequency attached by ClinVar (database versions not stated): gnomAD 0.00001; ExAC 0.00007; TOPMed 0.00002; gnomAD exomes 0.00004.
gnomAD v4.1: 55 of 1,614,038 alleles (0.0034%); highest among the groups gnomAD compares: Non-Finnish European, 0.004%; no homozygotes.

Submissions (2):

Labcorp Genetics (formerly Invitae), Labcorp
Classification: Uncertain significance for Hereditary spastic paraplegia. Last evaluated: 2025-07-29. Review status: criteria provided, single submitter. Criteria: Invitae Variant Classification Sherloc (09022015). Collection method: clinical testing. Allele origin: germline.
Comment: This sequence change replaces proline, which is neutral and non-polar, with histidine, which is basic and polar, at codon 703 of the USP8 protein (p.Pro703His). This variant is present in population databases (rs766783893, gnomAD 0.009%). This variant has not been reported in the literature in individuals affected with USP8-related conditions. ClinVar contains an entry for this variant (Variation ID: 1379085). An algorithm developed to predict the effect of missense changes on protein structure and function (PolyPhen-2) suggests that this variant is likely to be disruptive. In summary, the available evidence is currently insufficient to determine the role of this variant in disease. Therefore, it has been classified as a Variant of Uncertain Significance.

Fulgent Genetics
Classification: Uncertain significance for Pituitary dependent hypercortisolism. Last evaluated: 2022-04-20. Review status: criteria provided, single submitter. Criteria: ACMG Guidelines, 2015. Collection method: clinical testing. Allele origin: unknown.

NM_005154.5(USP8):c.2108C>A (p.Pro703His)

Gene: USP8 (ubiquitin specific peptidase 8; plus strand). Cytogenetic location: 15q21.2.
Variant type: single nucleotide variant.
Coding change: c.2108C>A on transcript NM_005154.5 (MANE Select); coding-DNA position 2108, C replaced by A.
Protein change: p.Pro703His; replaces proline 703 with histidine.
Molecular consequence: missense variant.
Genome position (GRCh38, 1-based): chr15:50,490,399, C>A. VCF-style: chr15-50490399-C-A. GRCh37 (hg19) VCF-style: chr15-50782596-C-A.
Other names: c.2108C>A, p.Pro703His (NM_001128610.3); c.1790C>A, p.Pro597His (NM_001283049.2); short protein forms P597H, P703H.
Identifiers: ClinVar variation 1379085 (VCV001379085.7), dbSNP rs766783893, ClinGen allele CA7555893.